The following is an entry in ClinVar:

ClinVar aggregate classification (germline): Likely pathogenic (1 of 4 stars; one submission).

Conditions:
Wilson disease (WND). Also called: Wilson's disease. Identifiers: Orphanet 905, MedGen C0019202, MONDO:0010200, OMIM 277900. Disease mechanism: loss of function.

Submission:

Myriad Genetics, Inc.
Classification: Likely pathogenic for Wilson disease. Last evaluated: 2022-01-17. Review status: criteria provided, single submitter. Criteria: Myriad Women's Health Autosomal Recessive and X-Linked Classification Criteria (2021). Collection method: clinical testing. Allele origin: unknown.
Comment: NM_000053.3(ATP7B):c.1475delT(L492Yfs*6) is expected to be pathogenic in the context of Wilson disease. This variant is predicted to lead to an abnormal or absent protein product due to the creation of a premature termination codon in ATP7B, a gene where loss-of-function variants are known to be pathogenic. Please note: this variant was assessed in the context of healthy population screening.

NM_000053.4(ATP7B):c.1475del (p.Leu492fs)

Gene: ATP7B (ATPase copper transporting beta; minus strand). Cytogenetic location: 13q14.3.
Variant type: Deletion.
Coding change: c.1475del on transcript NM_000053.4 (MANE Select); coding-DNA position 1475, one base deleted (T; older notation c.1475delT).
Protein change: p.Leu492fs; shifts the reading frame from leucine 492.
Molecular consequence: frameshift variant.
Genome position (GRCh38, 1-based): chr13:51,970,560, A deleted on the plus strand (T on the coding strand, the reverse complement: ATP7B is on the minus strand); the first of 2 consecutive A bases (chr13:51,970,560-51,970,561); deleting either gives the same sequence. VCF-style (leftmost placement, unchanged base first): chr13-51970559-TA-T. GRCh37 (hg19) VCF-style: chr13-52544695-TA-T.
Other names: c.1475del, p.Leu492fs (NM_001005918.3, NM_001330578.2, NM_001330579.2); c.1142del, p.Leu381fs (NM_001243182.2); c.1474delT, p.Leu492Tyrfs (NM_001406511.1, NM_001406512.1, NM_001406513.1 and 25 more transcripts); c.1378delT, p.Leu460Tyrfs (NM_001406517.1, NM_001406518.1, NM_001406530.1 and 3 more transcripts); c.1045delT, p.Leu349Tyrfs (NM_001406539.1); short protein forms L381fs, L492fs.
Identifiers: ClinVar variation 1723977 (VCV001723977.2), dbSNP rs2547793353, ClinGen allele CA2580087656.